The following is an entry in ClinVar:

ClinVar aggregate classification (germline): Uncertain significance (1 of 4 stars; one submission).

Allele frequency attached by ClinVar (database versions not stated): gnomAD exomes below 0.00001; gnomAD 0.00001; TOPMed 0.00001.
gnomAD v4.1: 3 of 1,614,058 alleles (0.00019%); highest among the groups gnomAD compares: Non-Finnish European, 0.00025%; no homozygotes.

Submission:

Labcorp Genetics (formerly Invitae), Labcorp
Classification: Uncertain significance. Last evaluated: 2021-03-29. Review status: criteria provided, single submitter. Criteria: Invitae Variant Classification Sherloc (09022015). Collection method: clinical testing. Allele origin: germline.
Comment: This variant is not present in population databases (ExAC no frequency). This sequence change replaces serine with glycine at codon 214 of the MCM3AP protein (p.Ser214Gly). The serine residue is weakly conserved and there is a small physicochemical difference between serine and glycine. Algorithms developed to predict the effect of missense changes on protein structure and function (SIFT, PolyPhen-2, Align-GVGD) all suggest that this variant is likely to be tolerated, but these predictions have not been confirmed by published functional studies and their clinical significance is uncertain. This variant has not been reported in the literature in individuals with MCM3AP-related conditions. In summary, the available evidence is currently insufficient to determine the role of this variant in disease. Therefore, it has been classified as a Variant of Uncertain Significance.

NM_003906.5(MCM3AP):c.640A>G (p.Ser214Gly)

Gene: MCM3AP (minichromosome maintenance complex component 3 associated protein; minus strand). Cytogenetic location: 21q22.3.
Variant type: single nucleotide variant.
Coding change: c.640A>G on transcript NM_003906.5 (MANE Select); coding-DNA position 640, A replaced by G.
Protein change: p.Ser214Gly; replaces serine 214 with glycine.
Molecular consequence: missense variant.
Genome position (GRCh38, 1-based): chr21:46,284,647, T>C on the plus strand (A>G on the coding strand, the complement: MCM3AP is on the minus strand). VCF-style: chr21-46284647-T-C. GRCh37 (hg19) VCF-style: chr21-47704561-T-C.
Other names: short protein forms S214G.
Identifiers: ClinVar variation 1463966 (VCV001463966.8), dbSNP rs1304746638, ClinGen allele CA410535863.